The following is an entry in ClinVar:

ClinVar aggregate classification (germline): Pathogenic. Review status: criteria provided, multiple submitters, no conflicts (2 of 4 stars). 2 submissions from 2 submitters: Pathogenic (2). Last evaluated 2025-10-20.

Conditions:
Congenital hyperammonemia, type I. Also called: Carbamoyl-phosphate synthase I deficiency; Carbamoyl phosphate synthetase I deficiency disease; Carbamoyl phosphate synthetase 1 deficiency; Hyperammonemia due to carbamoyl phosphate synthetase 1 deficiency; CPS 1 deficiency; Carbamyl phosphate synthetase (CPS) deficiency. Identifiers: Orphanet 147, MedGen C4082171, MONDO:0009376, OMIM 237300.

Submissions (2):

Women's Health and Genetics/Laboratory Corporation of America, LabCorp
Classification: Pathogenic for Congenital hyperammonemia, type I. Last evaluated: 2025-10-20. Review status: criteria provided, single submitter. Criteria: LabCorp Variant Classification Summary - May 2015. Collection method: clinical testing. Allele origin: germline.
Comment: Variant summary: CPS1 c.1363_1364delGA (p.Glu455LysfsX18) results in a premature termination codon, predicted to cause a truncation of the encoded protein or absence of the protein due to nonsense mediated decay, which are commonly known mechanisms for disease. The variant allele was found at a frequency of 4e-06 in 250212 control chromosomes. To our knowledge, no occurrence of c.1363_1364delGA in individuals affected with CPS1-related conditions and no experimental evidence demonstrating its impact on protein function have been reported. ClinVar contains an entry for this variant (Variation ID: 3683820). Based on the evidence outlined above, the variant was classified as pathogenic.

Labcorp Genetics (formerly Invitae), Labcorp
Classification: Pathogenic for Congenital hyperammonemia, type I. Last evaluated: 2024-10-21. Review status: criteria provided, single submitter. Criteria: Invitae Variant Classification Sherloc (09022015). Collection method: clinical testing. Allele origin: germline.
Comment: This sequence change creates a premature translational stop signal (p.Glu455Lysfs*18) in the CPS1 gene. It is expected to result in an absent or disrupted protein product. Loss-of-function variants in CPS1 are known to be pathogenic (PMID: 21120950). This variant is present in population databases (rs752851052, gnomAD 0.003%). This variant has not been reported in the literature in individuals affected with CPS1-related conditions. For these reasons, this variant has been classified as Pathogenic.

Literature cited by the submitters: PubMed 21120950 (cited by Labcorp Genetics (formerly Invitae), Labcorp).

NM_001875.5(CPS1):c.1363_1364del (p.Glu455fs)

Gene: CPS1 (carbamoyl-phosphate synthase 1; plus strand). Cytogenetic location: 2q34.
Variant type: Deletion.
Coding change: c.1363_1364del on transcript NM_001875.5 (MANE Select); coding-DNA positions 1363 to 1364, 2 bases deleted (GA; older notation c.1363_1364delGA).
Protein change: p.Glu455fs; shifts the reading frame from glutamic acid 455.
Molecular consequence: frameshift variant. On other transcripts: non-coding transcript variant (2).
Genome position (GRCh38, 1-based): chr2:210,599,375-210,599,376, GA deleted; deleting any 2 consecutive bases within chr2:210,599,374-210,599,376 gives the same sequence; the c. name uses the placement nearest the transcript's 3' end. VCF-style (leftmost placement, unchanged base first): chr2-210599373-AAG-A. GRCh37 (hg19) VCF-style: chr2-211464097-AAG-A.
Other names: c.1363_1364delGA (NM_001875.5); c.1363_1364del, p.Glu455fs (NM_001122633.3, NM_001369257.1); c.1396_1397del, p.Glu466fs (NM_001369256.1); short protein forms E455fs, E466fs.
Identifiers: ClinVar variation 3683820 (VCV003683820.3).